The following is an entry in ClinVar:

ClinVar aggregate classification (germline): Benign/Likely benign. Review status: criteria provided, multiple submitters, no conflicts (2 of 4 stars). 4 submissions from 4 submitters: Benign (2); Likely benign (1). 1 of the submissions does not count toward it. Last evaluated 2026-09-01.

Conditions:
BRSK2-related disorder. Also called: BRSK2-related condition; BRSK2-Related Disorders.
Inborn genetic diseases. Identifiers: MedGen C0950123, MeSH D030342.

Allele frequency attached by ClinVar (database versions not stated): 1000 Genomes Project 30x 0.00250; 1000 Genomes Project 0.00260; ESP Exome Variant Server 0.00718.

Submissions (4):

CeGaT Center for Human Genetics Tuebingen
Classification: Benign. Last evaluated: 2026-09-01. Review status: criteria provided, single submitter. Criteria: CeGaT Center For Human Genetics Tuebingen Variant Classification Criteria Version 2. Collection method: clinical testing. Allele origin: germline. Affected: yes. Observed: 30 variant alleles.
Comment: BRSK2: BS1, BS2

Ambry Genetics
Classification: Likely benign for Inborn genetic diseases. Last evaluated: 2022-10-03. Review status: criteria provided, single submitter. Criteria: Ambry Variant Classification Scheme 2023. Collection method: clinical testing. Allele origin: germline.

Breakthrough Genomics
Classification: Benign. Review status: criteria provided, single submitter. Criteria: ACMG Guidelines, 2015. Collection method: not provided. Allele origin: germline. Inheritance: Unknown mechanism. Affected: yes.

PreventionGenetics, part of Exact Sciences
Classification: Benign for BRSK2-related condition. Last evaluated: 2020-11-10. Review status: no assertion criteria provided. Collection method: clinical testing. Allele origin: germline. Not counted in ClinVar's aggregate classification.
Comment: This variant is classified as benign based on ACMG/AMP sequence variant interpretation guidelines (Richards et al. 2015 PMID: 25741868, with internal and published modifications).

NM_001256627.2(BRSK2):c.1733G>C (p.Gly578Ala)

Gene: BRSK2 (BR serine/threonine kinase 2; plus strand). Cytogenetic location: 11p15.5.
Variant type: single nucleotide variant.
Coding change: c.1733G>C on transcript NM_001256627.2 (MANE Select); coding-DNA position 1733, G replaced by C.
Protein change: p.Gly578Ala; replaces glycine 578 with alanine.
Molecular consequence: missense variant. On other transcripts: non-coding transcript variant (1).
Genome position (GRCh38, 1-based): chr11:1,456,412, G>C. VCF-style: chr11-1456412-G-C. GRCh37 (hg19) VCF-style: chr11-1477642-G-C.
Other names: c.1733G>C (NM_003957.2, NM_001256627.1); c.1733G>C, p.Gly578Ala (NM_001256629.2, NM_003957.4); c.1871G>C, p.Gly624Ala (NM_001256630.1); c.1553G>C, p.Gly518Ala (NM_001282218.2); short protein forms G518A, G578A, G624A.
Identifiers: ClinVar variation 1675443 (VCV001675443.37), dbSNP rs33996815, ClinGen allele CA5811199.